The following is an entry in ClinVar:

ClinVar aggregate classification (germline): Benign (1 of 4 stars; one submission).

Conditions:
Collagen 6-related myopathy. Identifiers: MedGen CN117976, MONDO:0100225.

Allele frequency attached by ClinVar (database versions not stated): gnomAD 0.00078 and 0.00129; TOPMed 0.00137; 1000 Genomes Project 0.00739; 1000 Genomes Project 30x 0.00750.

Submission:

Illumina Laboratory Services, Illumina
Classification: Benign for Collagen VI-related myopathy. Last evaluated: 2018-01-13. Review status: criteria provided, single submitter. Criteria: ICSL Variant Classification Criteria 13 December 2019. Collection method: clinical testing. Allele origin: germline.
Comment: This variant was observed in the ICSL laboratory as part of a predisposition screen in an ostensibly healthy population. It had not been previously curated by ICSL or reported in the Human Gene Mutation Database (HGMD: prior to June 1st, 2018), and was therefore a candidate for classification through an automated scoring system. Utilizing variant allele frequency, disease prevalence and penetrance estimates, and inheritance mode, an automated score was calculated to assess if this variant is too frequent to cause the disease. Based on the score and internal cut-off values, a variant classified as benign is not then subjected to further curation. The score for this variant resulted in a classification of benign for this disease.

NM_004369.4(COL6A3):c.-164T>G

Gene: COL6A3 (collagen type VI alpha 3 chain; minus strand). Cytogenetic location: 2q37.3.
Variant type: single nucleotide variant.
Coding change: c.-164T>G on transcript NM_004369.4 (MANE Select); 164 bases upstream of the start codon, T replaced by G.
Molecular consequence: 5 prime UTR variant.
Genome position (GRCh38, 1-based): chr2:237,414,086, A>C on the plus strand (T>G on the coding strand, the complement: COL6A3 is on the minus strand). VCF-style: chr2-237414086-A-C. GRCh37 (hg19) VCF-style: chr2-238322729-A-C.
Other names: c.-164T>G (NM_057164.5, NM_057165.5, NM_057166.5 and 1 more transcripts).
Identifiers: ClinVar variation 335150 (VCV000335150.5), dbSNP rs78466992, ClinGen allele CA10614902.
Genomic context (GRCh38, chr2:237,414,086, plus strand): 5'-CCCACTCACTGCGTCTCTTTTTCTTTTTGCAGCCTTTCTCCACCAAAAAAGTGGAGACTC[A>C]GAGCTGCGGAGGAAAACTCTTGCAGTCCTTGCAGGAGGCTGGAGCCCAGGAGAACTGAAC-3'